The following is an entry in ClinVar:

NM_001242957.3(MAK):c.1352C>T (p.Ser451Leu)

Gene: MAK (male germ cell associated kinase; minus strand). Cytogenetic location: 6p24.2.
Variant type: single nucleotide variant.
Coding change: c.1352C>T on transcript NM_001242957.3 (MANE Select); coding-DNA position 1352, C replaced by T.
Protein change: p.Ser451Leu; replaces serine 451 with leucine.
Molecular consequence: missense variant. On other transcripts: non-coding transcript variant (2).
Genome position (GRCh38, 1-based): chr6:10,784,537, G>A on the plus strand (C>T on the coding strand, the complement: MAK is on the minus strand). VCF-style: chr6-10784537-G-A. GRCh37 (hg19) VCF-style: chr6-10784770-G-A.
Other names: c.1352C>T, p.Ser451Leu (NM_001242385.2, NM_005906.6); c.1250C>T, p.Ser417Leu (NM_001377262.1); short protein forms S417L, S451L.
Identifiers: ClinVar variation 1042257 (VCV001042257.9), dbSNP rs200057744, ClinGen allele CA3633455.

ClinVar aggregate classification (germline): Uncertain significance. Review status: criteria provided, multiple submitters, no conflicts (2 of 4 stars). 2 submissions from 2 submitters: Uncertain significance (2). Last evaluated 2024-11-18.

Allele frequency attached by ClinVar (database versions not stated): TOPMed 0.00002; gnomAD 0.00004; ExAC 0.00005; 1000 Genomes Project 30x 0.00016; 1000 Genomes Project 0.00020.
gnomAD v4.1: 79 of 1,614,082 alleles (0.0049%); highest among the groups gnomAD compares: Non-Finnish European, 0.006%; no homozygotes.

Submissions (2):

Labcorp Genetics (formerly Invitae), Labcorp
Classification: Uncertain significance. Last evaluated: 2024-11-18. Review status: criteria provided, single submitter. Criteria: Invitae Variant Classification Sherloc (09022015). Collection method: clinical testing. Allele origin: germline.
Comment: This sequence change replaces serine, which is neutral and polar, with leucine, which is neutral and non-polar, at codon 451 of the MAK protein (p.Ser451Leu). This variant is present in population databases (rs200057744, gnomAD 0.007%). This variant has not been reported in the literature in individuals affected with MAK-related conditions. ClinVar contains an entry for this variant (Variation ID: 1042257). Invitae Evidence Modeling of protein sequence and biophysical properties (such as structural, functional, and spatial information, amino acid conservation, physicochemical variation, residue mobility, and thermodynamic stability) indicates that this missense variant is not expected to disrupt MAK protein function with a negative predictive value of 95%. In summary, the available evidence is currently insufficient to determine the role of this variant in disease. Therefore, it has been classified as a Variant of Uncertain Significance.

Blueprint Genetics
Classification: Uncertain significance. Last evaluated: 2022-11-10. Review status: criteria provided, single submitter. Criteria: ACMG Guidelines, 2015. Collection method: clinical testing. Allele origin: germline.